The following is an entry in ClinVar:

ClinVar aggregate classification (germline): Conflicting classifications of pathogenicity. Review status: criteria provided, conflicting classifications (1 of 4 stars). 4 submissions from 4 submitters: Uncertain significance (3); Likely benign (1). Last evaluated 2026-01-06.

Conditions:
Familial meningioma. Also called: Meningioma, familial, susceptibility to. Identifiers: Orphanet 263662, MedGen C3551915, MONDO:0011789, OMIM 607174.
Hereditary cancer-predisposing syndrome. Also called: Hereditary neoplastic syndrome; Neoplastic Syndromes, Hereditary; Tumor predisposition; Hereditary Cancer Syndrome. Identifiers: Orphanet 140162, MedGen C0027672, MeSH D009386, MONDO:0015356.

Allele frequency attached by ClinVar (database versions not stated): ExAC 0.00001; gnomAD 0.00001 and 0.00002; gnomAD exomes 0.00001 and 0.00002; TOPMed 0.00001.
gnomAD v4.1: 16 of 1,613,764 alleles (0.00099%); highest among the groups gnomAD compares: African/African-American, 0.0027%; no homozygotes.

Submissions (4):

Labcorp Genetics (formerly Invitae), Labcorp
Classification: Uncertain significance for Familial meningioma. Last evaluated: 2026-01-06. Review status: criteria provided, single submitter. Criteria: Invitae Variant Classification Sherloc (09022015). Collection method: clinical testing. Allele origin: germline.
Comment: This sequence change replaces methionine, which is neutral and non-polar, with valine, which is neutral and non-polar, at codon 377 of the SMARCE1 protein (p.Met377Val). This variant is present in population databases (rs781353760, gnomAD 0.004%). This variant has not been reported in the literature in individuals affected with SMARCE1-related conditions. ClinVar contains an entry for this variant (Variation ID: 565919). Invitae Evidence Modeling of protein sequence and biophysical properties (such as structural, functional, and spatial information, amino acid conservation, physicochemical variation, residue mobility, and thermodynamic stability) indicates that this missense variant is not expected to disrupt SMARCE1 protein function with a negative predictive value of 80%. In summary, the available evidence is currently insufficient to determine the role of this variant in disease. Therefore, it has been classified as a Variant of Uncertain Significance.

Baylor Genetics
Classification: Uncertain significance for Familial meningioma. Last evaluated: 2023-11-22. Review status: criteria provided, single submitter. Criteria: ACMG Guidelines, 2015. Collection method: clinical testing. Allele origin: unknown.

Ambry Genetics
Classification: Likely benign for Hereditary cancer-predisposing syndrome. Last evaluated: 2023-10-02. Review status: criteria provided, single submitter. Criteria: Ambry Variant Classification Scheme 2023. Collection method: clinical testing. Allele origin: germline.

GeneDx
Classification: Uncertain significance. Last evaluated: 2023-09-06. Review status: criteria provided, single submitter. Criteria: GeneDx Variant Classification Process June 2021. Collection method: clinical testing. Allele origin: germline. Affected: yes.
Comment: In silico analysis supports that this missense variant does not alter protein structure/function; Has not been previously published as pathogenic or benign to our knowledge; This variant is associated with the following publications: (PMID: 19245665)

NM_003079.5(SMARCE1):c.1129A>G (p.Met377Val)

Gene: SMARCE1 (SWI/SNF related BAF chromatin remodeling complex subunit E1; minus strand). Cytogenetic location: 17q21.2.
Variant type: single nucleotide variant.
Coding change: c.1129A>G on transcript NM_003079.5 (MANE Select); coding-DNA position 1129, A replaced by G.
Protein change: p.Met377Val; replaces methionine 377 with valine.
Molecular consequence: missense variant.
Genome position (GRCh38, 1-based): chr17:40,628,892, T>C on the plus strand (A>G on the coding strand, the complement: SMARCE1 is on the minus strand). VCF-style: chr17-40628892-T-C. GRCh37 (hg19) VCF-style: chr17-38785144-T-C.
Other names: short protein forms M377V.
Identifiers: ClinVar variation 565919 (VCV000565919.12), dbSNP rs781353760, ClinGen allele CA8545057.